The following is an entry in ClinVar:

NM_004998.4(MYO1E):c.3251-6C>G

Gene: MYO1E (myosin IE; minus strand). Cytogenetic location: 15q22.2.
Variant type: single nucleotide variant.
Coding change: c.3251-6C>G on transcript NM_004998.4 (MANE Select); 6 bases into the intron before coding-DNA position 3251, C replaced by G.
Molecular consequence: intron variant.
Genome position (GRCh38, 1-based): chr15:59,137,462, G>C on the plus strand (C>G on the coding strand, the complement: MYO1E is on the minus strand). VCF-style: chr15-59137462-G-C. GRCh37 (hg19) VCF-style: chr15-59429661-G-C.
Other names: p.?.
Identifiers: ClinVar variation 3577494 (VCV003577494.2).
Genomic context (GRCh38, chr15:59,137,462, plus strand): 5'-TTGGGGAACAGGCCCTGCTTGCCTCGTAGTCGACCCGTCCACCAGCCAGAAGGATCTGCA[G>C]GGAGAGAGAGGTGGTGGAAGTGAAGATGAGAAAGTCTGTTCTGCCCCAGCCACACACACT-3'

ClinVar aggregate classification (germline): Conflicting classifications of pathogenicity. Review status: criteria provided, conflicting classifications (1 of 4 stars). 2 submissions from 2 submitters: Uncertain significance (1); Likely benign (1). Last evaluated 2025-12-07.

Conditions:
Focal segmental glomerulosclerosis 6 (FSGS6). Identifiers: Orphanet 656, MedGen C3279905, MONDO:0013589, OMIM 614131.

gnomAD v4.1: 15 of 1,613,710 alleles (0.00093%); highest among the groups gnomAD compares: Non-Finnish European, 0.0011%; no homozygotes.

Submissions (2):

Mayo Clinic Laboratories, Mayo Clinic
Classification: Likely benign. Last evaluated: 2025-12-07. Review status: criteria provided, single submitter. Criteria: ACMG Guidelines, 2015. Collection method: clinical testing. Allele origin: germline. Observed: 1 variant allele.
Comment: BP4, BP7

Fulgent Genetics
Classification: Uncertain significance for Focal segmental glomerulosclerosis 6. Last evaluated: 2024-04-25. Review status: criteria provided, single submitter. Criteria: ACMG Guidelines, 2015. Collection method: clinical testing. Allele origin: germline.